The following is an entry in ClinVar:

ClinVar aggregate classification (germline): Conflicting classifications of pathogenicity. Review status: criteria provided, conflicting classifications (1 of 4 stars). 4 submissions from 4 submitters: Uncertain significance (1); Benign (2); Likely benign (1). Last evaluated 2018-01-12.

Conditions:
Inborn genetic diseases. Identifiers: MedGen C0950123, MeSH D030342.
Microcephaly, seizures, and developmental delay. Identifiers: Orphanet 1934, MedGen C3150667, MONDO:0013254, OMIM 613402.

Allele frequency attached by ClinVar (database versions not stated): gnomAD exomes 0.00134 and 0.00052; ExAC 0.00175; TOPMed 0.00637; 1000 Genomes Project 0.00519; gnomAD 0.00567 and 0.00609; ESP Exome Variant Server 0.00615; 1000 Genomes Project 30x 0.00562.

Submissions (4):

Illumina Laboratory Services, Illumina
Classification: Benign for Microcephaly, seizures, and developmental delay. Last evaluated: 2018-01-12. Review status: criteria provided, single submitter. Criteria: ICSL Variant Classification Criteria 13 December 2019. Collection method: clinical testing. Allele origin: germline.
Comment: This variant was observed in the ICSL laboratory as part of a predisposition screen in an ostensibly healthy population. It had not been previously curated by ICSL or reported in the Human Gene Mutation Database (HGMD: prior to June 1st, 2018), and was therefore a candidate for classification through an automated scoring system. Utilizing variant allele frequency, disease prevalence and penetrance estimates, and inheritance mode, an automated score was calculated to assess if this variant is too frequent to cause the disease. Based on the score and internal cut-off values, a variant classified as benign is not then subjected to further curation. The score for this variant resulted in a classification of benign for this disease.

Ambry Genetics
Classification: Likely benign for Inborn genetic diseases. Last evaluated: 2017-09-30. Review status: criteria provided, single submitter. Criteria: Ambry General Variant Classification Scheme_2022. Collection method: clinical testing. Allele origin: germline. Observed: 1 variant allele.

Genetic Services Laboratory, University of Chicago
Classification: Uncertain significance for Epileptic encephalopathy, early infantile, 10. Last evaluated: 2013-02-08. Review status: criteria provided, single submitter. Criteria: ACMG Guidelines, 2007. Collection method: clinical testing. Allele origin: germline. Inheritance: Autosomal recessive inheritance.

GeneDx
Classification: Benign. Last evaluated: 2012-04-12. Review status: criteria provided, single submitter. Criteria: GeneDx Variant Classification (06012015). Collection method: clinical testing. Allele origin: germline. Affected: yes.
Comment: This variant is considered likely benign or benign based on one or more of the following criteria: it is a conservative change, it occurs at a poorly conserved position in the protein, it is predicted to be benign by multiple in silico algorithms, and/or has population frequency not consistent with disease.

NM_007254.4(PNKP):c.*15C>T

Gene: PNKP (polynucleotide kinase 3'-phosphatase; minus strand). Cytogenetic location: 19q13.33.
Variant type: single nucleotide variant.
Coding change: c.*15C>T on transcript NM_007254.4 (MANE Select); 15 bases downstream of the stop codon, C replaced by T.
Molecular consequence: 3 prime UTR variant.
Genome position (GRCh38, 1-based): chr19:49,861,233, G>A on the plus strand (C>T on the coding strand, the complement: PNKP is on the minus strand). VCF-style: chr19-49861233-G-A. GRCh37 (hg19) VCF-style: chr19-50364490-G-A.
Identifiers: ClinVar variation 138727 (VCV000138727.14), dbSNP rs1050332, ClinGen allele CA251141.